The following is an entry in ClinVar:

ClinVar aggregate classification (germline): Uncertain significance (1 of 4 stars; one submission).

Allele frequency attached by ClinVar (database versions not stated): gnomAD exomes below 0.00001.
gnomAD v4.1: 1 of 1,614,032 alleles (0.000062%); highest among the groups gnomAD compares: Admixed American, 0.0017%; no homozygotes.

Submission:

Labcorp Genetics (formerly Invitae), Labcorp
Classification: Uncertain significance. Last evaluated: 2023-11-17. Review status: criteria provided, single submitter. Criteria: Invitae Variant Classification Sherloc (09022015). Collection method: clinical testing. Allele origin: germline.
Comment: This sequence change replaces glutamic acid, which is acidic and polar, with glycine, which is neutral and non-polar, at codon 241 of the LOX protein (p.Glu241Gly). This variant is not present in population databases (gnomAD no frequency). This variant has not been reported in the literature in individuals affected with LOX-related conditions. Advanced modeling of protein sequence and biophysical properties (such as structural, functional, and spatial information, amino acid conservation, physicochemical variation, residue mobility, and thermodynamic stability) has been performed at Invitae for this missense variant, however the output from this modeling did not meet the statistical confidence thresholds required to predict the impact of this variant on LOX protein function. In summary, the available evidence is currently insufficient to determine the role of this variant in disease. Therefore, it has been classified as a Variant of Uncertain Significance.

NM_002317.7(LOX):c.722A>G (p.Glu241Gly)

Genes: LOX (lysyl oxidase; minus strand), SRFBP1 (serum response factor binding protein 1; plus strand). Cytogenetic location: 5q23.1.
Variant type: single nucleotide variant.
Coding change: c.722A>G on transcript NM_002317.7 (MANE Select); coding-DNA position 722, A replaced by G.
Protein change: p.Glu241Gly; replaces glutamic acid 241 with glycine.
Molecular consequence: missense variant. On other transcripts: intron variant (1).
Genome position (GRCh38, 1-based): chr5:122,076,911, T>C on the plus strand (A>G on the coding strand, the complement: LOX is on the minus strand). VCF-style: chr5-122076911-T-C. GRCh37 (hg19) VCF-style: chr5-121412606-T-C.
Other names: c.32A>G, p.Glu11Gly (NM_001178102.2); c.-152+181A>G (NM_001317073.1); short protein forms E11G, E241G.
Identifiers: ClinVar variation 2696513 (VCV002696513.3), dbSNP rs2532914819, ClinGen allele CA360874871.
Genomic context (GRCh38, chr5:122,076,911, plus strand): 5'-AGGTAGACCGGGGAGCGGGGCCTCAGACATATCAGCCCGTACCTGGCCAGACAGTTTTCC[T>C]CCGCCGCGCATCTCAGGTTGTACATGGACATCTTCTGCACGTACGTGGACGCCTGGATGT-3'
Protein context (NP_002308.2, residues 231-251): MSMYNLRCAA[Glu241Gly]ENCLASTAYR